The following is an entry in ClinVar:

NM_020754.4(ARHGAP31):c.99T>C (p.Asp33=)

Gene: ARHGAP31 (Rho GTPase activating protein 31; plus strand). Cytogenetic location: 3q13.32.
Variant type: single nucleotide variant.
Coding change: c.99T>C on transcript NM_020754.4 (MANE Select); coding-DNA position 99, T replaced by C.
Protein change: p.Asp33=; no amino-acid change (aspartic acid 33 retained).
Molecular consequence: synonymous variant.
Genome position (GRCh38, 1-based): chr3:119,295,003, T>C. VCF-style: chr3-119295003-T-C. GRCh37 (hg19) VCF-style: chr3-119013850-T-C.
Identifiers: ClinVar variation 2872026 (VCV002872026.3), dbSNP rs2079520306, ClinGen allele CA435378980.

ClinVar aggregate classification (germline): Uncertain significance (1 of 4 stars; one submission).

Allele frequency attached by ClinVar (database versions not stated): gnomAD exomes 0.00001; TOPMed 0.00001.
gnomAD v4.1: 8 of 1,614,140 alleles (0.0005%); highest among the groups gnomAD compares: Middle Eastern, 0.016%; no homozygotes.

Submission:

Labcorp Genetics (formerly Invitae), Labcorp
Classification: Uncertain significance. Last evaluated: 2023-10-03. Review status: criteria provided, single submitter. Criteria: Invitae Variant Classification Sherloc (09022015). Collection method: clinical testing. Allele origin: germline.
Comment: This sequence change affects codon 33 of the ARHGAP31 mRNA. It is a 'silent' change, meaning that it does not change the encoded amino acid sequence of the ARHGAP31 protein. It affects a nucleotide within the consensus splice site. This variant is not present in population databases (gnomAD no frequency). This variant has not been reported in the literature in individuals affected with ARHGAP31-related conditions. Algorithms developed to predict the effect of sequence changes on RNA splicing suggest that this variant is not likely to affect RNA splicing. In summary, the available evidence is currently insufficient to determine the role of this variant in disease. Therefore, it has been classified as a Variant of Uncertain Significance.